The following is an entry in ClinVar:

NM_007118.4(TRIO):c.181A>C (p.Lys61Gln)

Gene: TRIO (trio Rho guanine nucleotide exchange factor; plus strand). Cytogenetic location: 5p15.2.
Variant type: single nucleotide variant.
Coding change: c.181A>C on transcript NM_007118.4 (MANE Select); coding-DNA position 181, A replaced by C.
Protein change: p.Lys61Gln; replaces lysine 61 with glutamine.
Molecular consequence: missense variant. On other transcripts: non-coding transcript variant (1).
Genome position (GRCh38, 1-based): chr5:14,270,848, A>C. VCF-style: chr5-14270848-A-C. GRCh37 (hg19) VCF-style: chr5-14270957-A-C.
Other names: short protein forms K61Q.
Identifiers: ClinVar variation 1305796 (VCV001305796.2), dbSNP rs2152269636, ClinGen allele CA359192859.

ClinVar aggregate classification (germline): Uncertain significance (1 of 4 stars; one submission).

Submission:

GeneDx
Classification: Uncertain significance. Last evaluated: 2019-10-10. Review status: criteria provided, single submitter. Criteria: GeneDx Variant Classification Process June 2021. Collection method: clinical testing. Allele origin: germline. Affected: yes.
Comment: Not observed in large population cohorts (Lek et al., 2016); In silico analysis, which includes protein predictors and evolutionary conservation, supports that this variant does not alter protein structure/function; Has not been previously published as pathogenic or benign to our knowledge